The following is an entry in ClinVar:

ClinVar aggregate classification (germline): Uncertain significance. Review status: criteria provided, multiple submitters, no conflicts (2 of 4 stars). 2 submissions from 2 submitters: Uncertain significance (2). Last evaluated 2026-01-12.

Conditions:
POLD1-related polyposis and colorectal cancer syndrome (CRCS10). Also called: Colorectal cancer 10; COLORECTAL CANCER, SUSCEPTIBILITY TO, ON CHROMOSOME 19q; Colorectal cancer, susceptibility to, 10. Identifiers: Orphanet 220460, MedGen C2675481, MONDO:0012953, OMIM 612591.
Hereditary cancer-predisposing syndrome. Also called: Neoplastic Syndromes, Hereditary; Hereditary neoplastic syndrome; Tumor predisposition; Hereditary Cancer Syndrome. Identifiers: Orphanet 140162, MedGen C0027672, MeSH D009386, MONDO:0015356.

Allele frequency attached by ClinVar (database versions not stated): ExAC below 0.00001; gnomAD exomes below 0.00001; TOPMed below 0.00001.
gnomAD v4.1: 3 of 1,551,094 alleles (0.00019%); highest among the groups gnomAD compares: Non-Finnish European, 0.00026%; no homozygotes.

Submissions (2):

Labcorp Genetics (formerly Invitae), Labcorp
Classification: Uncertain significance for POLD1-related polyposis and colorectal cancer syndrome. Last evaluated: 2026-01-12. Review status: criteria provided, single submitter. Criteria: Invitae Variant Classification Sherloc (09022015). Collection method: clinical testing. Allele origin: germline.
Comment: This sequence change falls in intron 23 of the POLD1 gene. It does not directly change the encoded amino acid sequence of the POLD1 protein. RNA analysis indicates that this variant induces altered splicing and may result in an absent or disrupted protein product. Missense variants that disrupt the 3'-5' exonuclease (proof-reading) activity of the POLD1 protein, are associated with an increased risk for colonic adenomatous polyps and colon cancer (PMID: 23263490, 23447401). However loss-of-function variants, which result in an absent or severely disrupted POLD1 protein, and missense variants outside the exonuclease domain, are unlikely to be associated with polyposis or colon cancer. The frequency data for this variant in the population databases is considered unreliable, as metrics indicate poor data quality at this position in the gnomAD database. This variant has not been reported in the literature in individuals affected with POLD1-related conditions. ClinVar contains an entry for this variant (Variation ID: 469314). Variants that disrupt the consensus splice site are a relatively common cause of aberrant splicing (PMID: 17576681, 9536098). Studies have shown that this variant results in skipping of exon 23 and introduces a premature termination codon (internal data). The resulting mRNA is expected to undergo nonsense-mediated decay. In summary, the available evidence is currently insufficient to determine the role of this variant in disease. Therefore, it has been classified as a Variant of Uncertain Significance.

Ambry Genetics
Classification: Uncertain significance for Hereditary cancer-predisposing syndrome. Last evaluated: 2019-10-09. Review status: criteria provided, single submitter. Criteria: Ambry Variant Classification Scheme 2023. Collection method: clinical testing. Allele origin: germline.
Comment: The c.2953+5G>A intronic alteration consists of a G to A substitution nucleotides after coding exon 22 in the POLD1 gene. Based on insufficient or conflicting evidence, the clinical significance of this alteration remains unclear.

Literature cited by the submitters: PubMed 23263490 (cited by Labcorp Genetics (formerly Invitae), Labcorp); PubMed 23447401 (cited by Labcorp Genetics (formerly Invitae), Labcorp); PubMed 17576681 (cited by Labcorp Genetics (formerly Invitae), Labcorp); PubMed 9536098 (cited by Labcorp Genetics (formerly Invitae), Labcorp).

NM_002691.4(POLD1):c.2953+5G>A

Gene: POLD1 (DNA polymerase delta 1, catalytic subunit; plus strand). Cytogenetic location: 19q13.33.
Variant type: single nucleotide variant.
Coding change: c.2953+5G>A on transcript NM_002691.4 (MANE Select); 5 bases into the intron after coding-DNA position 2953, G replaced by A.
Molecular consequence: intron variant.
Genome position (GRCh38, 1-based): chr19:50,416,533, G>A. VCF-style: chr19-50416533-G-A. GRCh37 (hg19) VCF-style: chr19-50919790-G-A.
Other names: c.3031+5G>A (LRG_785t2, NM_001308632.1); c.2953+5G>A (LRG_785t1, NM_001256849.1, NM_002691.2).
Identifiers: ClinVar variation 469314 (VCV000469314.9), dbSNP rs748082614, ClinGen allele CA9596691.